The following is an entry in ClinVar:

NM_004360.5(CDH1):c.553G>T (p.Glu185Ter)

Gene: CDH1 (cadherin 1; plus strand). Cytogenetic location: 16q22.1.
Variant type: single nucleotide variant.
Coding change: c.553G>T on transcript NM_004360.5 (MANE Select); coding-DNA position 553, G replaced by T.
Protein change: p.Glu185Ter; replaces glutamic acid 185 with a stop codon.
Molecular consequence: nonsense. On other transcripts: 5 prime UTR variant (2).
Genome position (GRCh38, 1-based): chr16:68,808,714, G>T. VCF-style: chr16-68808714-G-T. GRCh37 (hg19) VCF-style: chr16-68842617-G-T.
Other names: c.553G>T, p.Glu185Ter (NM_001317184.2); c.-1063G>T (NM_001317185.2); c.-1267G>T (NM_001317186.2); short protein forms E185*.
Identifiers: ClinVar variation 2583255 (VCV002583255.2), dbSNP rs1434277339, ClinGen allele CA396457887.

ClinVar aggregate classification (germline): Pathogenic (1 of 4 stars; one submission).

Conditions:
Hereditary diffuse gastric adenocarcinoma (HDGC). Also called: DIFFUSE GASTRIC AND LOBULAR BREAST CANCER SYNDROME. Identifiers: Orphanet 26106, MedGen C1708349, MONDO:0007648, OMIM 137215.

Submission:

Myriad Genetics, Inc.
Classification: Pathogenic for Hereditary diffuse gastric adenocarcinoma. Last evaluated: 2023-06-09. Review status: criteria provided, single submitter. Criteria: Myriad Autosomal Dominant, Autosomal Recessive and X-Linked Classification Criteria (2023). Collection method: clinical testing. Allele origin: unknown.
Comment: This variant is considered pathogenic. This variant creates a termination codon and is predicted to result in premature protein truncation.